The following is an entry in ClinVar:

NM_001197104.2(KMT2A):c.7023A>C (p.Thr2341=)

Gene: KMT2A (lysine methyltransferase 2A; plus strand). Cytogenetic location: 11q23.3.
Variant type: single nucleotide variant.
Coding change: c.7023A>C on transcript NM_001197104.2 (MANE Select); coding-DNA position 7023, A replaced by C.
Protein change: p.Thr2341=; no amino-acid change (threonine 2341 retained).
Molecular consequence: synonymous variant.
Genome position (GRCh38, 1-based): chr11:118,502,915, A>C. VCF-style: chr11-118502915-A-C. GRCh37 (hg19) VCF-style: chr11-118373630-A-C.
Other names: c.7014A>C, p.Thr2338= (NM_005933.4).
Identifiers: ClinVar variation 1302494 (VCV001302494.25), dbSNP rs554266191, ClinGen allele CA6304343.

ClinVar aggregate classification (germline): Benign/Likely benign. Review status: criteria provided, multiple submitters, no conflicts (2 of 4 stars). 3 submissions from 3 submitters: Benign (2); Likely benign (1). Last evaluated 2025-12-08.

Allele frequency attached by ClinVar (database versions not stated): TOPMed below 0.00001; gnomAD 0.00004; gnomAD exomes 0.00008 and 0.00017; ExAC 0.00015; 1000 Genomes Project 0.00020; 1000 Genomes Project 30x 0.00031.
gnomAD v4.1: 118 of 1,614,122 alleles (0.0073%); highest among the groups gnomAD compares: South Asian, 0.13%; no homozygotes.

Submissions (3):

Labcorp Genetics (formerly Invitae), Labcorp
Classification: Benign. Last evaluated: 2025-12-08. Review status: criteria provided, single submitter. Criteria: Invitae Variant Classification Sherloc (09022015). Collection method: clinical testing. Allele origin: germline.

CeGaT Center for Human Genetics Tuebingen
Classification: Likely benign. Last evaluated: 2024-05-01. Review status: criteria provided, single submitter. Criteria: CeGaT Center For Human Genetics Tuebingen Variant Classification Criteria Version 2. Collection method: clinical testing. Allele origin: germline. Affected: yes. Observed: 1 variant allele.
Comment: KMT2A: BP4, BP7, BS1

GeneDx
Classification: Benign. Last evaluated: 2021-06-26. Review status: criteria provided, single submitter. Criteria: GeneDx Variant Classification Process June 2021. Collection method: clinical testing. Allele origin: germline. Affected: yes.